The following is an entry in ClinVar:

ClinVar aggregate classification (germline): Conflicting classifications of pathogenicity. Review status: criteria provided, conflicting classifications (1 of 4 stars). 2 submissions from 2 submitters: Uncertain significance (1); Likely benign (1). Last evaluated 2025-12-24.

Conditions:
Hereditary cancer-predisposing syndrome. Also called: Neoplastic Syndromes, Hereditary; Hereditary Cancer Syndrome; Hereditary neoplastic syndrome; Tumor predisposition. Identifiers: Orphanet 140162, MedGen C0027672, MeSH D009386, MONDO:0015356.
Neuroblastoma, susceptibility to, 3. Also called: ALK-Related Neuroblastic Tumor Susceptibility. Identifiers: Orphanet 635, MedGen C2751681, MONDO:0013083, OMIM 613014.

Allele frequency attached by ClinVar (database versions not stated): TOPMed below 0.00001; ExAC 0.00001; gnomAD exomes 0.00001.
gnomAD v4.1: 3 of 1,613,148 alleles (0.00019%); highest among the groups gnomAD compares: Admixed American, 0.005%; no homozygotes.

Submissions (2):

Labcorp Genetics (formerly Invitae), Labcorp
Classification: Likely benign for Neuroblastoma, susceptibility to, 3. Last evaluated: 2025-12-24. Review status: criteria provided, single submitter. Criteria: Invitae Variant Classification Sherloc (09022015). Collection method: clinical testing. Allele origin: germline.

Ambry Genetics
Classification: Uncertain significance for Hereditary cancer-predisposing syndrome. Last evaluated: 2024-01-12. Review status: criteria provided, single submitter. Criteria: Ambry Variant Classification Scheme 2023. Collection method: clinical testing. Allele origin: germline.
Comment: The c.3744-5C>T intronic variant results from a C to T substitution 5 nucleotides upstream from coding exon 25 in the ALK gene. This nucleotide position is poorly conserved in available vertebrate species. In silico splice site analysis predicts that this alteration will not have any significant effect on splicing. Since supporting evidence is limited at this time, the clinical significance of this alteration remains unclear.

NM_004304.5(ALK):c.3744-5C>T

Gene: ALK (ALK receptor tyrosine kinase; minus strand). Cytogenetic location: 2p23.2.
Variant type: single nucleotide variant.
Coding change: c.3744-5C>T on transcript NM_004304.5 (MANE Select); 5 bases into the intron before coding-DNA position 3744, C replaced by T.
Molecular consequence: intron variant.
Genome position (GRCh38, 1-based): chr2:29,209,883, G>A on the plus strand (C>T on the coding strand, the complement: ALK is on the minus strand). VCF-style: chr2-29209883-G-A. GRCh37 (hg19) VCF-style: chr2-29432749-G-A.
Other names: c.540-5C>T (NM_001353765.2).
Identifiers: ClinVar variation 1560357 (VCV001560357.11), dbSNP rs750800690, ClinGen allele CA1593788.